The following is an entry in ClinVar:

NM_000083.3(CLCN1):c.2882G>A (p.Gly961Glu)

Gene: CLCN1 (chloride voltage-gated channel 1; plus strand). Cytogenetic location: 7q34.
Variant type: single nucleotide variant.
Coding change: c.2882G>A on transcript NM_000083.3 (MANE Select); coding-DNA position 2882, G replaced by A.
Protein change: p.Gly961Glu; replaces glycine 961 with glutamic acid.
Molecular consequence: missense variant. On other transcripts: non-coding transcript variant (1).
Genome position (GRCh38, 1-based): chr7:143,351,880, G>A. VCF-style: chr7-143351880-G-A. GRCh37 (hg19) VCF-style: chr7-143048973-G-A.
Other names: c.2882G>A (NM_000083.2); short protein forms G961E.
Identifiers: ClinVar variation 1015654 (VCV001015654.8), dbSNP rs1803422217, ClinGen allele CA369654072.

ClinVar aggregate classification (germline): Uncertain significance. Review status: criteria provided, multiple submitters, no conflicts (2 of 4 stars). 2 submissions from 2 submitters: Uncertain significance (2). Last evaluated 2021-12-21.

Conditions:
Congenital myotonia, autosomal dominant form (THD). Also called: THOMSEN DISEASE; Myotonia congenita autosomal dominant. Identifiers: Orphanet 614, MedGen C2936781, MONDO:0008055, OMIM 160800.
Congenital myotonia, autosomal recessive form. Also called: BECKER DISEASE; Becker Generalized Myotonia; myotonia congenita, autosomal recessive. Identifiers: Orphanet 614, MedGen C0751360, MONDO:0009715, OMIM 255700.

Allele frequency attached by ClinVar (database versions not stated): TOPMed below 0.00001.

Submissions (2):

Labcorp Genetics (formerly Invitae), Labcorp
Classification: Uncertain significance for Congenital myotonia, autosomal recessive form; Congenital myotonia, autosomal dominant form. Last evaluated: 2021-12-21. Review status: criteria provided, single submitter. Criteria: Invitae Variant Classification Sherloc (09022015). Collection method: clinical testing. Allele origin: germline.
Comment: This sequence change replaces glycine, which is neutral and non-polar, with glutamic acid, which is acidic and polar, at codon 961 of the CLCN1 protein (p.Gly961Glu). This variant is not present in population databases (gnomAD no frequency). This variant has not been reported in the literature in individuals affected with CLCN1-related conditions. ClinVar contains an entry for this variant (Variation ID: 1015654). Advanced modeling of protein sequence and biophysical properties (such as structural, functional, and spatial information, amino acid conservation, physicochemical variation, residue mobility, and thermodynamic stability) performed at Invitae indicates that this missense variant is not expected to disrupt CLCN1 protein function. In summary, the available evidence is currently insufficient to determine the role of this variant in disease. Therefore, it has been classified as a Variant of Uncertain Significance.

Revvity Omics, Revvity
Classification: Uncertain significance. Last evaluated: 2019-10-07. Review status: criteria provided, single submitter. Criteria: ACMG Guidelines, 2015. Collection method: clinical testing. Allele origin: germline.